The following is an entry in ClinVar:

NM_198334.3(GANAB):c.1331G>A (p.Ser444Asn)

Gene: GANAB (glucosidase II alpha subunit; minus strand). Cytogenetic location: 11q12.3.
Variant type: single nucleotide variant.
Coding change: c.1331G>A on transcript NM_198334.3 (MANE Select); coding-DNA position 1331, G replaced by A.
Protein change: p.Ser444Asn; replaces serine 444 with asparagine.
Molecular consequence: missense variant.
Genome position (GRCh38, 1-based): chr11:62,630,656, C>T on the plus strand (G>A on the coding strand, the complement: GANAB is on the minus strand). VCF-style: chr11-62630656-C-T. GRCh37 (hg19) VCF-style: chr11-62398128-C-T.
Other names: c.1055G>A, p.Ser352Asn (NM_001278192.2); c.989G>A, p.Ser330Asn (NM_001278193.2); c.1040G>A, p.Ser347Asn (NM_001278194.2, NM_001329222.2, NM_001329223.2); c.608G>A, p.Ser203Asn (NM_001329224.2, NM_001329225.2); c.1397G>A, p.Ser466Asn (NM_198335.4); short protein forms S203N, S466N, S347N, S444N, S330N, S352N.
Identifiers: ClinVar variation 2802475 (VCV002802475.3), dbSNP rs2496336073, ClinGen allele CA380993377.

ClinVar aggregate classification (germline): Uncertain significance (1 of 4 stars; one submission).

Submission:

Labcorp Genetics (formerly Invitae), Labcorp
Classification: Uncertain significance. Last evaluated: 2023-11-07. Review status: criteria provided, single submitter. Criteria: Invitae Variant Classification Sherloc (09022015). Collection method: clinical testing. Allele origin: germline.
Comment: This sequence change replaces serine, which is neutral and polar, with asparagine, which is neutral and polar, at codon 466 of the GANAB protein (p.Ser466Asn). This variant is not present in population databases (gnomAD no frequency). This variant has not been reported in the literature in individuals affected with GANAB-related conditions. Advanced modeling of protein sequence and biophysical properties (such as structural, functional, and spatial information, amino acid conservation, physicochemical variation, residue mobility, and thermodynamic stability) performed at Invitae indicates that this missense variant is not expected to disrupt GANAB protein function with a negative predictive value of 80%. In summary, the available evidence is currently insufficient to determine the role of this variant in disease. Therefore, it has been classified as a Variant of Uncertain Significance.